The following is an entry in ClinVar:

ClinVar aggregate classification (germline): Likely pathogenic (1 of 4 stars; one submission).

Conditions:
Severe combined immunodeficiency due to IKK2 deficiency. Also called: IMMUNODEFICIENCY 15B; Immunodeficiency 15. Identifiers: Orphanet 397787, MedGen C4747743, MONDO:0014267, OMIM 615592.

Submission:

Labcorp Genetics (formerly Invitae), Labcorp
Classification: Likely pathogenic for Severe combined immunodeficiency due to IKK2 deficiency. Last evaluated: 2024-05-02. Review status: criteria provided, single submitter. Criteria: Invitae Variant Classification Sherloc (09022015). Collection method: clinical testing. Allele origin: germline.
Comment: This sequence change affects a donor splice site in intron 7 of the IKBKB gene. It is expected to disrupt RNA splicing. Variants that disrupt the donor or acceptor splice site typically lead to a loss of protein function (PMID: 16199547), and loss-of-function variants in IKBKB are known to be pathogenic (PMID: 24369075, 24679846). This variant is not present in population databases (gnomAD no frequency). This variant has not been reported in the literature in individuals affected with IKBKB-related conditions. Algorithms developed to predict the effect of sequence changes on RNA splicing suggest that this variant may disrupt the consensus splice site. In summary, the currently available evidence indicates that the variant is pathogenic, but additional data are needed to prove that conclusively. Therefore, this variant has been classified as Likely Pathogenic.

Literature cited by the submitters: PubMed 16199547; PubMed 24369075; PubMed 24679846.

NM_001556.3(IKBKB):c.567+1G>A

Gene: IKBKB (inhibitor of nuclear factor kappa B kinase subunit beta; plus strand). Cytogenetic location: 8p11.21.
Variant type: single nucleotide variant.
Coding change: c.567+1G>A on transcript NM_001556.3 (MANE Select); the canonical splice donor site of the intron after coding-DNA position 567, G replaced by A.
Molecular consequence: splice donor variant.
Genome position (GRCh38, 1-based): chr8:42,306,433, G>A. VCF-style: chr8-42306433-G-A. GRCh37 (hg19) VCF-style: chr8-42163951-G-A.
Other names: c.390+1G>A (NM_001242778.2); c.375+1G>A (NM_001190720.3).
Identifiers: ClinVar variation 3651056 (VCV003651056.2).